The following is an entry in ClinVar:

ClinVar aggregate classification (germline): Uncertain significance (1 of 4 stars; one submission).

Submission:

Labcorp Genetics (formerly Invitae), Labcorp
Classification: Uncertain significance. Last evaluated: 2024-09-09. Review status: criteria provided, single submitter. Criteria: Invitae Variant Classification Sherloc (09022015). Collection method: clinical testing. Allele origin: germline.
Comment: This sequence change falls in intron 6 of the CLCN6 gene. It does not directly change the encoded amino acid sequence of the CLCN6 protein. This variant is present in population databases (no rsID available, gnomAD 0.002%). This variant has not been reported in the literature in individuals affected with CLCN6-related conditions. Algorithms developed to predict the effect of sequence changes on RNA splicing suggest that this variant may disrupt the consensus splice site. In summary, the available evidence is currently insufficient to determine the role of this variant in disease. Therefore, it has been classified as a Variant of Uncertain Significance.

NM_001286.5(CLCN6):c.454-11_454-10del

Gene: CLCN6 (chloride voltage-gated channel 6; plus strand). Cytogenetic location: 1p36.22.
Variant type: Microsatellite.
Coding change: c.454-11_454-10del on transcript NM_001286.5 (MANE Select); 11 bases into the intron before coding-DNA position 454 through 10 bases into the intron before coding-DNA position 454, 2 bases deleted (TC; older notation c.454-11_454-10delTC).
Molecular consequence: intron variant.
Genome position (GRCh38, 1-based): chr1:11,823,696-11,823,697, TC deleted; deleting any 2 consecutive bases within chr1:11,823,693-11,823,697 gives the same sequence; the c. name uses the placement nearest the transcript's 3' end. VCF-style (leftmost placement, unchanged base first): chr1-11823692-GCT-G. GRCh37 (hg19) VCF-style: chr1-11883749-GCT-G.
Other names: c.388-11_388-10del (NM_001256959.2).
Identifiers: ClinVar variation 3682710 (VCV003682710.2).